The following is an entry in ClinVar:

NM_001042492.3(NF1):c.5900A>G (p.Lys1967Arg)

Gene: NF1 (neurofibromin 1; plus strand). Cytogenetic location: 17q11.2.
Variant type: single nucleotide variant.
Coding change: c.5900A>G on transcript NM_001042492.3 (MANE Select); coding-DNA position 5900, A replaced by G.
Protein change: p.Lys1967Arg; replaces lysine 1967 with arginine.
Molecular consequence: missense variant.
Genome position (GRCh38, 1-based): chr17:31,334,925, A>G. VCF-style: chr17-31334925-A-G. GRCh37 (hg19) VCF-style: chr17-29661943-A-G.
Other names: c.5837A>G, p.Lys1946Arg (NM_000267.4); short protein forms K1946R, K1967R.
Identifiers: ClinVar variation 573447 (VCV000573447.9), dbSNP rs1567615807, ClinGen allele CA399010750.
Genomic context (GRCh38, chr17:31,334,925, plus strand): 5'-AATACATGACTCCATGGCTGTCAAATCTAGTTCGTTTTTGCAAGCATAATGATGATGCCA[A>G]ACGACAAAGAGTTACTGCTATTCTTGACAAGCTGATAACAATGACCATCAATGAAAAACA-3'
Protein context (NP_001035957.1, residues 1957-1977): VRFCKHNDDA[Lys1967Arg]RQRVTAILDK

ClinVar aggregate classification (germline): Uncertain significance. Review status: criteria provided, multiple submitters, no conflicts (2 of 4 stars). 2 submissions from 2 submitters: Uncertain significance (2). Last evaluated 2025-12-03.

Conditions:
Cardiovascular phenotype. Identifiers: MedGen CN230736.
Hereditary cancer-predisposing syndrome. Also called: Hereditary neoplastic syndrome; Neoplastic Syndromes, Hereditary; Hereditary Cancer Syndrome; Tumor predisposition. Identifiers: Orphanet 140162, MedGen C0027672, MeSH D009386, MONDO:0015356.
Neurofibromatosis, type 1 (NF1). Also called: Peripheral type neurofibromatosis; VON RECKLINGHAUSEN DISEASE; Neurofibromatosis, type I; NEUROFIBROMATOSIS, TYPE I, SOMATIC. Identifiers: Orphanet 636, MedGen C0027831, MONDO:0018975, OMIM 162200. Disease mechanism: loss of function.

Allele frequency attached by ClinVar (database versions not stated): gnomAD exomes below 0.00001.
gnomAD v4.1: 1 of 1,613,900 alleles (0.000062%); highest among the groups gnomAD compares: South Asian, 0.0011%; no homozygotes.

Submissions (2):

Labcorp Genetics (formerly Invitae), Labcorp
Classification: Uncertain significance for Neurofibromatosis, type 1. Last evaluated: 2025-12-03. Review status: criteria provided, single submitter. Criteria: Invitae Variant Classification Sherloc (09022015). Collection method: clinical testing. Allele origin: germline.
Comment: This sequence change replaces lysine, which is basic and polar, with arginine, which is basic and polar, at codon 1946 of the NF1 protein (p.Lys1946Arg). This variant is not present in population databases (gnomAD no frequency). This variant has not been reported in the literature in individuals affected with NF1-related conditions. ClinVar contains an entry for this variant (Variation ID: 573447). Invitae Evidence Modeling of protein sequence and biophysical properties (such as structural, functional, and spatial information, amino acid conservation, physicochemical variation, residue mobility, and thermodynamic stability) has been performed for this missense variant. However, the output from this modeling did not meet the statistical confidence thresholds required to predict the impact of this variant on NF1 protein function. In summary, the available evidence is currently insufficient to determine the role of this variant in disease. Therefore, it has been classified as a Variant of Uncertain Significance.

Ambry Genetics
Classification: Uncertain significance for Cardiovascular phenotype; Hereditary cancer-predisposing syndrome. Last evaluated: 2024-02-22. Review status: criteria provided, single submitter. Criteria: Ambry Variant Classification Scheme 2023. Collection method: clinical testing. Allele origin: germline.
Comment: The p.K1946R variant (also known as c.5837A>G), located in coding exon 39 of the NF1 gene, results from an A to G substitution at nucleotide position 5837. The lysine at codon 1946 is replaced by arginine, an amino acid with highly similar properties. This alteration was not observed in 7,051 unselected female breast cancer patients and was observed with an allele frequency of 0.00009 in 11,241 female controls of Japanese ancestry (Momozawa Y et al. Nat Commun, 2018 10;9:4083). This amino acid position is highly conserved in available vertebrate species. In addition, this alteration is predicted to be tolerated by in silico analysis. Since supporting evidence is limited at this time, the clinical significance of this alteration remains unclear.